The following is an entry in ClinVar:

ClinVar aggregate classification (germline): Uncertain significance (1 of 4 stars; one submission).

Submission:

Labcorp Genetics (formerly Invitae), Labcorp
Classification: Uncertain significance. Last evaluated: 2022-09-12. Review status: criteria provided, single submitter. Criteria: Invitae Variant Classification Sherloc (09022015). Collection method: clinical testing. Allele origin: germline.
Comment: A copy number gain of the genomic region encompassing the full coding sequence of the DEAF1 gene has been identified. The boundaries of this event are unknown as they extend beyond the assayed region for this gene and therefore may encompass additional genes. As the precise location of this event is unknown, it may be in tandem or it may be located elsewhere in the genome. This variant has not been reported in the literature in individuals affected with DEAF1-related conditions. In summary, the available evidence is currently insufficient to determine the role of this variant in disease. Therefore, it has been classified as a Variant of Uncertain Significance.

NC_000011.9:g.(?_532636)_(695047_?)dup

Genes: IRF7 (interferon regulatory factor 7; minus strand), LMNTD2 (lamin tail domain containing 2; minus strand), LMNTD2-AS1 (LMNTD2 antisense RNA 1; plus strand), LRRC56 (leucine rich repeat containing 56; plus strand), MIR210 (microRNA 210; minus strand) and 8 more. Cytogenetic location: 11p15.5.
Variant type: Duplication.
Identifiers: ClinVar variation 1443721 (VCV001443721.5).